The following is an entry in ClinVar:

ClinVar aggregate classification (germline): Uncertain significance (1 of 4 stars; one submission).

Conditions:
Hereditary breast ovarian cancer syndrome. Also called: Hereditary breast and ovarian cancer syndrome (HBOC); BRCA1- and BRCA2-Associated Hereditary Breast and Ovarian Cancer; Hereditary breast and ovarian cancer syndrome; Breast and ovarian cancer; Hereditary breast and ovarian cancer; Hereditary breast and/or ovarian cancer syndrome. Identifiers: Orphanet 145, MedGen C0677776, MeSH D061325, MONDO:0003582. Disease mechanism: loss of function.

gnomAD v4.1: 1 of 1,614,190 alleles (0.000062%); highest among the groups gnomAD compares: Non-Finnish European, 0.000085%; no homozygotes.

Submission:

Labcorp Genetics (formerly Invitae), Labcorp
Classification: Uncertain significance for Hereditary breast ovarian cancer syndrome. Last evaluated: 2017-11-08. Review status: criteria provided, single submitter. Criteria: Invitae Variant Classification Sherloc (09022015). Collection method: clinical testing. Allele origin: germline.
Comment: In summary, the available evidence is currently insufficient to determine the role of this variant in disease. Therefore, it has been classified as a Variant of Uncertain Significance. Algorithms developed to predict the effect of missense changes on protein structure and function output the following: SIFT: "Tolerated"; PolyPhen-2: "Benign"; Align-GVGD: "Class C0". The threonine amino acid residue is found in multiple mammalian species, suggesting that this missense change does not adversely affect protein function. These predictions have not been confirmed by published functional studies and their clinical significance is uncertain. This variant has not been reported in the literature in individuals with BRCA2-related disease. This variant is not present in population databases (ExAC no frequency). This sequence change replaces alanine with threonine at codon 2513 of the BRCA2 protein (p.Ala2513Thr). The alanine residue is weakly conserved and there is a small physicochemical difference between alanine and threonine.

NM_000059.4(BRCA2):c.7537G>A (p.Ala2513Thr)

Gene: BRCA2 (BRCA2 DNA repair associated; plus strand). Cytogenetic location: 13q13.1.
Variant type: single nucleotide variant.
Coding change: c.7537G>A on transcript NM_000059.4 (MANE Select); coding-DNA position 7537, G replaced by A.
Protein change: p.Ala2513Thr; replaces alanine 2513 with threonine.
Molecular consequence: missense variant.
Genome position (GRCh38, 1-based): chr13:32,356,529, G>A. VCF-style: chr13-32356529-G-A. GRCh37 (hg19) VCF-style: chr13-32930666-G-A.
Other names: short protein forms A2513T.
Identifiers: ClinVar variation 531217 (VCV000531217.9), dbSNP rs1555286273, ClinGen allele CA387743615.